The following is an entry in ClinVar:

ClinVar aggregate classification (germline): Likely benign (1 of 4 stars; one submission).

gnomAD v4.1: 3,951 of 1,610,108 alleles (0.25%); highest among the groups gnomAD compares: Non-Finnish European, 0.31%; 7 homozygotes.

Submission:

CeGaT Center for Human Genetics Tuebingen
Classification: Likely benign. Last evaluated: 2026-09-01. Review status: criteria provided, single submitter. Criteria: CeGaT Center For Human Genetics Tuebingen Variant Classification Criteria Version 2. Collection method: clinical testing. Allele origin: germline. Affected: yes. Observed: 4 variant alleles.
Comment: GEMIN5: BP4, BP7

NM_015465.5(GEMIN5):c.3132A>G (p.Lys1044=)

Gene: GEMIN5 (gem nuclear organelle associated protein 5; minus strand). Cytogenetic location: 5q33.2.
Variant type: single nucleotide variant.
Coding change: c.3132A>G on transcript NM_015465.5 (MANE Select); coding-DNA position 3132, A replaced by G.
Protein change: p.Lys1044=; no amino-acid change (lysine 1044 retained).
Molecular consequence: synonymous variant.
Genome position (GRCh38, 1-based): chr5:154,899,193, T>C on the plus strand (A>G on the coding strand, the complement: GEMIN5 is on the minus strand). VCF-style: chr5-154899193-T-C. GRCh37 (hg19) VCF-style: chr5-154278753-T-C.
Other names: c.3129A>G, p.Lys1043= (NM_001252156.2).
Identifiers: ClinVar variation 3904865 (VCV003904865.10).
Genomic context (GRCh38, chr5:154,899,193, plus strand): 5'-CCCCTTCCTGGCAGAAGCTCTCCTATGTTGGAAGCATCCCTCCACTCCTCAGGCTTACCA[T>C]TTGGCAGCTACAGCATAGTGGCCATCTCTTTCTAGGACGGTTCCCCAGCTGAGGTACAAG-3'
Protein context (NP_056280.2, residues 1034-1054): ERDGHYAVAA[Lys1044=]CYLGATCAYD